The following is an entry in ClinVar:

ClinVar aggregate classification (germline): Pathogenic (1 of 4 stars; one submission).

Conditions:
Nemaline myopathy 2 (NEM2). Also called: Nemaline myopathy 2, autosomal recessive. Identifiers: MedGen C1850569, MONDO:0009725, OMIM 256030.

Submission:

Labcorp Genetics (formerly Invitae), Labcorp
Classification: Pathogenic for Nemaline myopathy 2. Last evaluated: 2019-11-15. Review status: criteria provided, single submitter. Criteria: Invitae Variant Classification Sherloc (09022015). Collection method: clinical testing. Allele origin: germline.
Comment: This sequence change creates a premature translational stop signal (p.Gln4481*) in the NEB gene. It is expected to result in an absent or disrupted protein product. This variant has not been reported in the literature in individuals with NEB-related conditions. Loss-of-function variants in NEB are known to be pathogenic (PMID: 25205138). For these reasons, this variant has been classified as Pathogenic. This variant occurs in a region of NEB (Exons 82-105) consisting of three highly homologous 8-exon repeat units (exons 82-89, exons 90-97, exons 98-105). Sequence variants in this region can be detected, but this assay cannot determine which of the three repeat units is affected, and zygosity is often ambiguous. All variants in this region are reported relative to the exon 82-89 repeat.

Literature cited by the submitters: PubMed 25205138.

NM_001164508.2(NEB):c.13441C>T (p.Gln4481Ter)

Gene: NEB (nebulin; minus strand). Cytogenetic location: 2q23.3.
Variant type: single nucleotide variant.
Coding change: c.13441C>T on transcript NM_001164508.2 (MANE Select); coding-DNA position 13441, C replaced by T.
Protein change: p.Gln4481Ter; replaces glutamine 4481 with a stop codon.
Molecular consequence: nonsense. On other transcripts: intron variant (1).
Genome position (GRCh38, 1-based): chr2:151,601,936, G>A on the plus strand (C>T on the coding strand, the complement: NEB is on the minus strand). VCF-style: chr2-151601936-G-A. GRCh37 (hg19) VCF-style: chr2-152458450-G-A.
Other names: c.13441C>T, p.Gln4481Ter (NM_001164507.2, NM_001271208.2); c.11601+7873C>T (NM_004543.5); short protein forms Q4481*.
Identifiers: ClinVar variation 968326 (VCV000968326.9), dbSNP rs2097548467, ClinGen allele CA348769344.